The following is an entry in ClinVar:

NM_001134673.4(NFIA):c.1322C>T (p.Pro441Leu)

Gene: NFIA (nuclear factor I A; plus strand). Cytogenetic location: 1p31.3.
Variant type: single nucleotide variant.
Coding change: c.1322C>T on transcript NM_001134673.4 (MANE Select); coding-DNA position 1322, C replaced by T.
Protein change: p.Pro441Leu; replaces proline 441 with leucine.
Molecular consequence: missense variant.
Genome position (GRCh38, 1-based): chr1:61,406,629, C>T. VCF-style: chr1-61406629-C-T. GRCh37 (hg19) VCF-style: chr1-61872301-C-T.
Other names: c.1298C>T, p.Pro433Leu (NM_001145511.2); c.1457C>T, p.Pro486Leu (NM_001145512.2); c.1322C>T, p.Pro441Leu (NM_005595.5); short protein forms P433L, P486L, P441L.
Identifiers: ClinVar variation 4708125 (VCV004708125.1).
Genomic context (GRCh38, chr1:61,406,629, plus strand): 5'-GGAGCAGCCAAGGCAAGGTGCACAACCCATTCCTTCCCACCCCAATGTTGCCACCGCCAC[C>T]GCCACCACCGATGGCCAGGCCTGTGCCTCTGCCGGTGCCAGACACAAAGCCTCCAACCAC-3'
Protein context (NP_001128145.1, residues 431-451): FLPTPMLPPP[Pro441Leu]PPPMARPVPL

ClinVar aggregate classification (germline): Uncertain significance (1 of 4 stars; one submission).

gnomAD v4.1: 11 of 1,612,346 alleles (0.00068%); highest among the groups gnomAD compares: East Asian, 0.0022%; no homozygotes.

Submission:

Labcorp Genetics (formerly Invitae), Labcorp
Classification: Uncertain significance. Last evaluated: 2025-03-23. Review status: criteria provided, single submitter. Criteria: Invitae Variant Classification Sherloc (09022015). Collection method: clinical testing. Allele origin: germline.
Comment: This sequence change replaces proline, which is neutral and non-polar, with leucine, which is neutral and non-polar, at codon 441 of the NFIA protein (p.Pro441Leu). This variant is present in population databases (no rsID available, gnomAD 0.006%). This variant has not been reported in the literature in individuals affected with NFIA-related conditions. An algorithm developed to predict the effect of missense changes on protein structure and function (PolyPhen-2) suggests that this variant is likely to be disruptive. In summary, the available evidence is currently insufficient to determine the role of this variant in disease. Therefore, it has been classified as a Variant of Uncertain Significance.